The following is an entry in ClinVar:

ClinVar aggregate classification (germline): Benign/Likely benign. Review status: criteria provided, multiple submitters, no conflicts (2 of 4 stars). 19 submissions from 19 submitters: Benign (5); Likely benign (10). 4 of the submissions do not count toward it. Last evaluated 2026-01-31.

Conditions:
ATM-related disorder. Also called: ATM-related disorders; ATM-related condition.
Hereditary cancer-predisposing syndrome. Also called: Tumor predisposition; Hereditary Cancer Syndrome; Hereditary neoplastic syndrome; Neoplastic Syndromes, Hereditary. Identifiers: Orphanet 140162, MedGen C0027672, MeSH D009386, MONDO:0015356.
Hereditary breast ovarian cancer syndrome. Also called: Hereditary breast and ovarian cancer syndrome (HBOC); BRCA1- and BRCA2-Associated Hereditary Breast and Ovarian Cancer; Hereditary breast and/or ovarian cancer syndrome; Breast and ovarian cancer; Hereditary breast and ovarian cancer syndrome; Hereditary breast and ovarian cancer. Identifiers: Orphanet 145, MedGen C0677776, MeSH D061325, MONDO:0003582. Disease mechanism: loss of function.
Familial cancer of breast. Also called: hereditary breast carcinoma; Hereditary breast cancer; BREAST CANCER, FAMILIAL. Identifiers: Orphanet 227535, MedGen C0346153, MONDO:0016419, OMIM 114480. Disease mechanism: loss of function.
Ataxia-telangiectasia syndrome (AT). Also called: ATAXIA-TELANGIECTASIA, COMPLEMENTATION GROUP A; ATAXIA-TELANGIECTASIA, FRESNO VARIANT; Ataxia-telangiectasia; LOUIS-BAR SYNDROME; Ataxia telangiectasia (A-T); Ataxia-telangiectasia, complementation group D. Identifiers: Orphanet 100, MedGen C0004135, MONDO:0008840, OMIM 208900.
Malignant tumor of breast. Also called: Malignant breast neoplasm; Cancer breast. Identifiers: MedGen C0006142, MONDO:0007254. Disease mechanism: loss of function.

Allele frequency attached by ClinVar (database versions not stated): gnomAD exomes 0.00006 and 0.00018; ExAC 0.00018; TOPMed 0.00065; ESP Exome Variant Server 0.00077; gnomAD 0.00077 and 0.00078; 1000 Genomes Project 30x 0.00156; 1000 Genomes Project 0.00180.
gnomAD v4.1: 219 of 1,613,948 alleles (0.014%); highest among the groups gnomAD compares: African/African-American, 0.22%; 1 homozygote.

Submissions 1 to 16 of 19:

Labcorp Genetics (formerly Invitae), Labcorp
Classification: Benign for Ataxia-telangiectasia syndrome. Last evaluated: 2026-01-31. Review status: criteria provided, single submitter. Criteria: Invitae Variant Classification Sherloc (09022015). Collection method: clinical testing. Allele origin: germline.

Center for Genomic Medicine, Rigshospitalet, Copenhagen University Hospital
Classification: Likely benign. Last evaluated: 2025-12-29. Review status: criteria provided, single submitter. Criteria: ACMG Guidelines, 2015. Collection method: clinical testing. Allele origin: germline.
Comment: Classification criteria: BS1

Institute for Biomarker Research, Medical Diagnostic Laboratories, L.L.C.
Classification: Benign for Hereditary cancer-predisposing syndrome. Last evaluated: 2025-06-30. Review status: criteria provided, single submitter. Criteria: ACMG Guidelines, 2015. Collection method: clinical testing. Allele origin: germline.
Comment: The missense variant NM_000051.4(ATM):c.2096A>G (p.Glu699Gly) has not been reported previously as a pathogenic variant, to our knowledge. The variant is observed in one or more well-documented healthy adults. The p.Glu699Gly variant is observed in 33/16,236 (0.2033%) alleles from individuals of gnomAD African background in gnomAD. The p.Glu699Gly variant is observed in 33/16,236 (0.2033%) alleles from individuals of gnomAD African background in gnomAD. There is a moderate physicochemical difference between glutamic acid and glycine. For these reasons, this variant has been classified as Benign.

Molecular Diagnostics Laboratory, Catalan Institute of Oncology
Classification: Likely benign for Hereditary cancer-predisposing syndrome. Last evaluated: 2025-03-26. Review status: criteria provided, single submitter. Criteria: ClinGen ACMG Specifications ATM V1.1.0. Collection method: clinical testing. Allele origin: germline.
Comment: BS1 c.2096A>G located in exon 13 of the ATM gene, is predicted to result in the substitution of glutamic acid by glycine at codon 699, p.(Glu699Gly). This variant is found in 50/23600 at a filtering allele frequency of 0.16% in the gnomAD v2.1.1 database (African non-cancer data set)(BS1). The SpliceAI algorithm predicts no significant impact on splicing and the REVEL meta-predictor score for this variant (0.358) is indeterminate regarding the effect on protein function. To our knowledge, functional studies have not been reported for this variant. In addition, the variant was also identified in the ClinVar database (4x uncertain significance, 8x likely benign, 4x benign) but is not present in LOVD database. Based on currently available information, the variant c.2096A>G is classified as a likely benign variant according to ClinGen-ATM Guidelines version v1.1.

Women's Health and Genetics/Laboratory Corporation of America, LabCorp
Classification: Likely benign. Last evaluated: 2024-06-28. Review status: criteria provided, single submitter. Criteria: LabCorp Variant Classification Summary - May 2015. Collection method: clinical testing. Allele origin: germline.
Comment: Variant summary: ATM c.2096A>G (p.Glu699Gly) results in a non-conservative amino acid change in the encoded protein sequence. Three of five in-silico tools predict a damaging effect of the variant on protein function. The variant allele was found at a frequency of 0.00019 in 251298 control chromosomes, predominantly at a frequency of 0.002 within the African or African-American subpopulation in the gnomAD database. The observed variant frequency within African or African-American control individuals in the gnomAD database is approximately 2 fold of the estimated maximal expected allele frequency for a pathogenic variant in ATM causing Breast Cancer phenotype (0.001), strongly suggesting that the variant is a benign polymorphism found primarily in populations of African or African-American origin. In addition, the variant was also reported in 9 African American individuals in the Flossies database (with a frequency of 0.003517) who were older than 70 years of age, and never had cancer, further suggesting a benign outcome for the variant. c.2096A>G has been reported in the literature in individuals affected with breast cancer, colorectal cancer, endometrial cancer, prostate cancer, pancreatic ductal adenocarcinoma and two individuals being tested for Lynch syndrome (e.g. Yurgelun_2015, Ring_2016, Tung_2016, Yurgelun_2017, Pearlman_2016, Tavtigian_2009, Chaffee_2018, Eygelaar_2022, Gheybi_2023). These reports however, do not provide unequivocal conclusions about association of the variant with Breast Cancer/Ataxia-Telangiectasia. To our knowledge, no experimental evidence demonstrating an impact on protein function has been reported. The following publications have been ascertained in the context of this evaluation (PMID: 28726808, 35039564, 36898365, 23555315, 17333338, 27978560, 27443514, 19781682, 26976419, 25980754, 28135145). ClinVar contains an entry for this variant (Variation ID: 181850). Based on the evidence outlined above, the variant was classified as likely benign.

Myriad Genetics, Inc.
Classification: Likely benign for Familial cancer of breast. Last evaluated: 2024-05-07. Review status: criteria provided, single submitter. Criteria: Myriad Autosomal Dominant, Autosomal Recessive and X-Linked Classification Criteria (2023). Collection method: clinical testing. Allele origin: unknown.
Comment: This variant is considered likely benign. This variant is strongly associated with less severe personal and family histories of cancer, typical for individuals without pathogenic variants in this gene [PMID: 25085752].

Blueprint Genetics
Classification: Likely benign. Last evaluated: 2024-01-22. Review status: criteria provided, single submitter. Criteria: ACMG Guidelines, 2015. Collection method: clinical testing. Allele origin: germline.

Quest Diagnostics Nichols Institute San Juan Capistrano
Classification: Benign. Last evaluated: 2023-08-07. Review status: criteria provided, single submitter. Criteria: Quest Diagnostics criteria. Collection method: clinical testing. Allele origin: unknown.

National Health Laboratory Service, Universitas Academic Hospital and University of the Free State
Classification: Likely benign for Hereditary breast ovarian cancer syndrome. Last evaluated: 2022-04-19. Review status: criteria provided, single submitter. Criteria: ACMG Guidelines, 2015. Collection method: clinical testing. Allele origin: germline. Affected: yes. Observed: 11 variant alleles.

Sema4
Classification: Likely benign for Hereditary cancer-predisposing syndrome. Last evaluated: 2020-12-01. Review status: criteria provided, single submitter. Criteria: Sema4 Curation Guidelines. Collection method: curation. Allele origin: germline.

Mendelics
Classification: Likely benign for Ataxia-telangiectasia syndrome. Last evaluated: 2019-05-28. Review status: criteria provided, single submitter. Criteria: Mendelics Assertion Criteria 2017. Collection method: clinical testing. Allele origin: unknown.

GeneDx
Classification: Likely benign. Last evaluated: 2017-09-21. Review status: criteria provided, single submitter. Criteria: GeneDx Variant Classification (06012015). Collection method: clinical testing. Allele origin: germline. Affected: yes.
Comment: This variant is considered likely benign or benign based on one or more of the following criteria: it is a conservative change, it occurs at a poorly conserved position in the protein, it is predicted to be benign by multiple in silico algorithms, and/or has population frequency not consistent with disease.

Color Diagnostics, LLC DBA Color Health
Classification: Likely benign for Hereditary cancer-predisposing syndrome. Last evaluated: 2015-04-24. Review status: criteria provided, single submitter. Criteria: ACMG Guidelines, 2015. Collection method: clinical testing. Allele origin: germline.

Eurofins Ntd Llc (ga)
Classification: Benign. Last evaluated: 2014-12-29. Review status: criteria provided, single submitter. Criteria: EGL Classification Definitions 2015. Collection method: clinical testing. Allele origin: germline. Observed: 1 variant allele, 1 homozygote.

Ambry Genetics
Classification: Benign for Hereditary cancer-predisposing syndrome. Last evaluated: 2014-12-04. Review status: criteria provided, single submitter. Criteria: Ambry Variant Classification Scheme 2023. Collection method: clinical testing. Allele origin: germline.

PreventionGenetics, part of Exact Sciences
Classification: Likely benign for ATM-related condition. Last evaluated: 2022-03-17. Review status: no assertion criteria provided. Collection method: clinical testing. Allele origin: germline. Not counted in ClinVar's aggregate classification.
Comment: This variant is classified as likely benign based on ACMG/AMP sequence variant interpretation guidelines (Richards et al. 2015 PMID: 25741868, with internal and published modifications).

NM_000051.4(ATM):c.2096A>G (p.Glu699Gly)

Gene: ATM (ATM serine/threonine kinase; plus strand). Cytogenetic location: 11q22.3.
Variant type: single nucleotide variant.
Coding change: c.2096A>G on transcript NM_000051.4 (MANE Select); coding-DNA position 2096, A replaced by G.
Protein change: p.Glu699Gly; replaces glutamic acid 699 with glycine.
Molecular consequence: missense variant.
Genome position (GRCh38, 1-based): chr11:108,254,011, A>G. VCF-style: chr11-108254011-A-G. GRCh37 (hg19) VCF-style: chr11-108124738-A-G.
Other names: p.E699G:GAA>GGA; NP_000042.3:p.Glu699Gly; c.2096A>G, p.Glu699Gly (NM_001351834.2); short protein forms E699G.
Identifiers: ClinVar variation 181850 (VCV000181850.50), dbSNP rs147934285, ClinGen allele CA200987.